The following is an entry in ClinVar:

ClinVar aggregate classification (germline): Uncertain significance. Review status: criteria provided, multiple submitters, no conflicts (2 of 4 stars). 2 submissions from 2 submitters: Uncertain significance (2). Last evaluated 2025-10-22.

Allele frequency attached by ClinVar (database versions not stated): ExAC 0.00004; gnomAD exomes 0.00005; TOPMed 0.00005; gnomAD 0.00007; ESP Exome Variant Server 0.00008.
gnomAD v4.1: 84 of 1,606,644 alleles (0.0052%); highest among the groups gnomAD compares: Non-Finnish European, 0.0065%; no homozygotes.

Submissions (2):

Labcorp Genetics (formerly Invitae), Labcorp
Classification: Uncertain significance. Last evaluated: 2025-10-22. Review status: criteria provided, single submitter. Criteria: Invitae Variant Classification Sherloc (09022015). Collection method: clinical testing. Allele origin: germline.
Comment: This sequence change replaces leucine, which is neutral and non-polar, with proline, which is neutral and non-polar, at codon 428 of the IL23R protein (p.Leu428Pro). This variant is present in population databases (rs113281071, gnomAD 0.006%). This variant has not been reported in the literature in individuals affected with IL23R-related conditions. ClinVar contains an entry for this variant (Variation ID: 2149209). An algorithm developed to predict the effect of missense changes on protein structure and function outputs the following: PolyPhen-2: "Probably Damaging". The proline amino acid residue is found in multiple mammalian species, which suggests that this missense change does not adversely affect protein function. In summary, the available evidence is currently insufficient to determine the role of this variant in disease. Therefore, it has been classified as a Variant of Uncertain Significance.

Ambry Genetics
Classification: Uncertain significance. Last evaluated: 2023-03-20. Review status: criteria provided, single submitter. Criteria: Ambry Variant Classification Scheme 2023. Collection method: clinical testing. Allele origin: germline.

NM_144701.3(IL23R):c.1283T>C (p.Leu428Pro)

Gene: IL23R (interleukin 23 receptor; plus strand). Cytogenetic location: 1p31.3.
Variant type: single nucleotide variant.
Coding change: c.1283T>C on transcript NM_144701.3 (MANE Select); coding-DNA position 1283, T replaced by C.
Protein change: p.Leu428Pro; replaces leucine 428 with proline.
Molecular consequence: missense variant.
Genome position (GRCh38, 1-based): chr1:67,258,521, T>C. VCF-style: chr1-67258521-T-C. GRCh37 (hg19) VCF-style: chr1-67724204-T-C.
Other names: c.1283T>C (NM_144701.2); short protein forms L428P.
Identifiers: ClinVar variation 2149209 (VCV002149209.6), dbSNP rs113281071, ClinGen allele CA899988.
Genomic context (GRCh38, chr1:67,258,521, plus strand): 5'-ATGTCTTTTTTTCCTAGGAAAATAGTGAACTTATGAATAATAATTCCAGTGAGCAGGTCC[T>C]ATATGTTGATCCCATGATTACAGAGATAAAAGAAATCTTCATCCCAGAACACAAGCCTAC-3'
Protein context (NP_653302.2, residues 418-438): LMNNNSSEQV[Leu428Pro]YVDPMITEIK